The following is an entry in ClinVar:

NM_006950.3(SYN1):c.1270C>T (p.Arg424Trp)

Gene: SYN1 (synapsin I; minus strand). Cytogenetic location: Xp11.3.
Variant type: single nucleotide variant.
Coding change: c.1270C>T on transcript NM_006950.3 (MANE Select); coding-DNA position 1270, C replaced by T.
Protein change: p.Arg424Trp; replaces arginine 424 with tryptophan.
Molecular consequence: missense variant.
Genome position (GRCh38, 1-based): chrX:47,575,163, G>A on the plus strand (C>T on the coding strand, the complement: SYN1 is on the minus strand). VCF-style: chrX-47575163-G-A. GRCh37 (hg19) VCF-style: chrX-47434562-G-A.
Other names: c.1270C>T, p.Arg424Trp (NM_133499.2); short protein forms R424W.
Identifiers: ClinVar variation 624408 (VCV000624408.46), dbSNP rs745743511, ClinGen allele CA10398382.

ClinVar aggregate classification (germline): Uncertain significance. Review status: criteria provided, multiple submitters, no conflicts (2 of 4 stars). 3 submissions from 3 submitters: Uncertain significance (3). Last evaluated 2024-05-15.

Conditions:
Inborn genetic diseases. Identifiers: MedGen C0950123, MeSH D030342.

Allele frequency attached by ClinVar (database versions not stated): ExAC below 0.00001; gnomAD exomes below 0.00001.
gnomAD v4.1: 2 of 1,192,482 alleles (0.00017%); highest among the groups gnomAD compares: Non-Finnish European, 0.00023%; no homozygotes.

Submissions (3):

Ambry Genetics
Classification: Uncertain significance for Inborn genetic diseases. Last evaluated: 2024-05-15. Review status: criteria provided, single submitter. Criteria: Ambry Variant Classification Scheme 2023. Collection method: clinical testing. Allele origin: germline.

Centre of Medical Genetics, University Hospital Muenster
Classification: Uncertain significance. Last evaluated: 2021-12-22. Review status: criteria provided, single submitter. Criteria: ACMG Guidelines, 2015. Collection method: clinical testing. Allele origin: unknown. Affected: yes. Observed: 1 variant allele.
Comment: ACMG categories: PM2,PP3

CeGaT Center for Human Genetics Tuebingen
Classification: Uncertain significance. Last evaluated: 2018-06-01. Review status: criteria provided, single submitter. Criteria: CeGaT Center For Human Genetics Tuebingen Variant Classification Criteria Version 2. Collection method: clinical testing. Allele origin: germline. Affected: yes. Observed: 1 variant allele.